The following is an entry in ClinVar:

NM_015102.5(NPHP4):c.1874C>T (p.Pro625Leu)

Gene: NPHP4 (nephrocystin 4; minus strand). Cytogenetic location: 1p36.31.
Variant type: single nucleotide variant.
Coding change: c.1874C>T on transcript NM_015102.5 (MANE Select); coding-DNA position 1874, C replaced by T.
Protein change: p.Pro625Leu; replaces proline 625 with leucine.
Molecular consequence: missense variant. On other transcripts: non-coding transcript variant (1).
Genome position (GRCh38, 1-based): chr1:5,905,373, G>A on the plus strand (C>T on the coding strand, the complement: NPHP4 is on the minus strand). VCF-style: chr1-5905373-G-A. GRCh37 (hg19) VCF-style: chr1-5965433-G-A.
Other names: c.1874C>T (NM_015102.4); c.335C>T, p.Pro112Leu (NM_001291593.2); c.338C>T, p.Pro113Leu (NM_001291594.2); short protein forms P625L, P113L, P112L.
Identifiers: ClinVar variation 297815 (VCV000297815.18), dbSNP rs377160096, ClinGen allele CA554343.

ClinVar aggregate classification (germline): Uncertain significance. Review status: criteria provided, multiple submitters, no conflicts (2 of 4 stars). 7 submissions from 6 submitters: Uncertain significance (7). Last evaluated 2026-01-08.

Conditions:
Senior-Loken syndrome 4 (SLSN4). Identifiers: Orphanet 3156, MedGen C1846979, MONDO:0011756, OMIM 606996.
Nephronophthisis 4 (NPHP4). Also called: NEPHRONOPHTHISIS 4, JUVENILE. Identifiers: Orphanet 655, MedGen C1847013, MONDO:0011752, OMIM 606966.
NPHP4-related disorder. Also called: NPHP4-related disorders; NPHP4-related condition. Identifiers: MedGen CN239384.
Nephronophthisis. Also called: Juvenile Nephronophthisis. Identifiers: Orphanet 655, MedGen C0687120, MONDO:0019005, HP:0000090.

Allele frequency attached by ClinVar (database versions not stated): gnomAD exomes 0.00003 and 0.00008; gnomAD 0.00004 and 0.00005; ExAC 0.00006; TOPMed 0.00006; ESP Exome Variant Server 0.00016.
gnomAD v4.1: 54 of 1,613,722 alleles (0.0033%); highest among the groups gnomAD compares: Middle Eastern, 0.033%; no homozygotes.

Submissions (7):

Labcorp Genetics (formerly Invitae), Labcorp
Classification: Uncertain significance for Nephronophthisis. Last evaluated: 2026-01-08. Review status: criteria provided, single submitter. Criteria: Invitae Variant Classification Sherloc (09022015). Collection method: clinical testing. Allele origin: germline.
Comment: This sequence change replaces proline, which is neutral and non-polar, with leucine, which is neutral and non-polar, at codon 625 of the NPHP4 protein (p.Pro625Leu). This variant is present in population databases (rs377160096, gnomAD 0.09%). This variant has not been reported in the literature in individuals affected with NPHP4-related conditions. ClinVar contains an entry for this variant (Variation ID: 297815). Invitae Evidence Modeling of protein sequence and biophysical properties (such as structural, functional, and spatial information, amino acid conservation, physicochemical variation, residue mobility, and thermodynamic stability) indicates that this missense variant is not expected to disrupt NPHP4 protein function with a negative predictive value of 80%. In summary, the available evidence is currently insufficient to determine the role of this variant in disease. Therefore, it has been classified as a Variant of Uncertain Significance.

PreventionGenetics, part of Exact Sciences
Classification: Uncertain significance for NPHP4-related condition. Last evaluated: 2024-12-16. Review status: criteria provided, single submitter. Criteria: ACMG Guidelines, 2015. Collection method: clinical testing. Allele origin: germline.
Comment: The NPHP4 c.1874C>T variant is predicted to result in the amino acid substitution p.Pro625Leu. To our knowledge, this variant has not been reported in the literature. This variant is reported in 0.087% of alleles in individuals of Ashkenazi Jewish descent in gnomAD. This variant could be benign. At this time, the clinical significance of this variant is uncertain due to the absence of conclusive functional and genetic evidence.

Blueprint Genetics
Classification: Uncertain significance. Last evaluated: 2024-04-23. Review status: criteria provided, single submitter. Criteria: ACMG Guidelines, 2015. Collection method: clinical testing. Allele origin: germline.

Fulgent Genetics
Classification: Uncertain significance for Nephronophthisis 4; Senior-Loken syndrome 4. Last evaluated: 2022-03-23. Review status: criteria provided, single submitter. Criteria: ACMG Guidelines, 2015. Collection method: clinical testing. Allele origin: unknown.

Eurofins Ntd Llc (ga)
Classification: Uncertain significance. Last evaluated: 2018-07-27. Review status: criteria provided, single submitter. Criteria: EGL ClinVar v180209 classification definitions. Collection method: clinical testing. Allele origin: germline. Observed: 1 variant allele, 1 heterozygote.

Illumina Laboratory Services, Illumina
Classification: Uncertain significance for Senior-Loken syndrome 4. Last evaluated: 2018-01-12. Review status: criteria provided, single submitter. Criteria: ICSL Variant Classification Criteria 13 December 2019. Collection method: clinical testing. Allele origin: germline.

Illumina Laboratory Services, Illumina
Classification: Uncertain significance for Nephronophthisis 4. Last evaluated: 2018-01-12. Review status: criteria provided, single submitter. Criteria: ICSL Variant Classification Criteria 13 December 2019. Collection method: clinical testing. Allele origin: germline.